The following is an entry in ClinVar:

NM_004621.6(TRPC6):c.2645-22_2645-20del

Gene: TRPC6 (transient receptor potential cation channel subfamily C member 6; minus strand). Cytogenetic location: 11q22.1.
Variant type: Microsatellite.
Coding change: c.2645-22_2645-20del on transcript NM_004621.6 (MANE Select); 22 bases into the intron before coding-DNA position 2645 through 20 bases into the intron before coding-DNA position 2645, 3 bases deleted (CTT; older notation c.2645-22_2645-20delCTT).
Molecular consequence: intron variant.
Genome position (GRCh38, 1-based): chr11:101,453,126-101,453,128, AAG deleted on the plus strand (CTT on the coding strand, the reverse complement: TRPC6 is on the minus strand); deleting any 3 consecutive bases within chr11:101,453,126-101,453,131 gives the same sequence; the c. name uses the placement nearest the transcript's 3' end. VCF-style (leftmost placement, unchanged base first): chr11-101453125-TAAG-T. GRCh37 (hg19) VCF-style: chr11-101323856-TAAG-T.
Other names: c.2645-22_2645-20delCTT (NM_004621.5).
Identifiers: ClinVar variation 259461 (VCV000259461.21), dbSNP rs59743346, ClinGen allele CA6244038.

ClinVar aggregate classification (germline): Benign. Review status: criteria provided, multiple submitters, no conflicts (2 of 4 stars). 7 submissions from 7 submitters: Benign (7). Last evaluated 2026-02-01.

Conditions:
Focal segmental glomerulosclerosis 2 (FSGS2). Identifiers: Orphanet 656, MedGen C1858915, MONDO:0011390, OMIM 603965.

Submissions (7):

Labcorp Genetics (formerly Invitae), Labcorp
Classification: Benign. Last evaluated: 2026-02-01. Review status: criteria provided, single submitter. Criteria: Invitae Variant Classification Sherloc (09022015). Collection method: clinical testing. Allele origin: germline.

Blueprint Genetics
Classification: Benign. Last evaluated: 2024-11-27. Review status: criteria provided, single submitter. Criteria: ACMG Guidelines, 2015. Collection method: clinical testing. Allele origin: germline.

Unidad de Genómica Garrahan, Hospital de Pediatría Garrahan
Classification: Benign. Last evaluated: 2024-07-15. Review status: criteria provided, single submitter. Criteria: ACMG Guidelines, 2015. Collection method: clinical testing. Allele origin: germline. Affected: no. Observed: 38 variant alleles.
Comment: This variant is classified as Benign based on local population frequency. This variant was detected in 41% of patients studied in a panel designed for Epileptic and Developmental Encephalopathy and Progressive Myoclonus Epilepsy. Number of patients: 38. Only high quality variants are reported.

Fulgent Genetics
Classification: Benign for Focal segmental glomerulosclerosis 2. Last evaluated: 2022-03-04. Review status: criteria provided, single submitter. Criteria: ACMG Guidelines, 2015. Collection method: clinical testing. Allele origin: unknown.

Genome-Nilou Lab
Classification: Benign for Focal segmental glomerulosclerosis 2. Last evaluated: 2021-09-10. Review status: criteria provided, single submitter. Criteria: ACMG Guidelines, 2015. Collection method: clinical testing. Allele origin: germline. Affected: no.

GeneDx
Classification: Benign. Last evaluated: 2019-08-20. Review status: criteria provided, single submitter. Criteria: GeneDx Variant Classification Process June 2021. Collection method: clinical testing. Allele origin: germline. Affected: yes.

PreventionGenetics, part of Exact Sciences
Classification: Benign. Review status: criteria provided, single submitter. Criteria: ACMG Guidelines, 2015. Collection method: clinical testing. Allele origin: germline.